The following is an entry in ClinVar:

ClinVar aggregate classification (germline): Uncertain significance. Review status: criteria provided, multiple submitters, no conflicts (2 of 4 stars). 2 submissions from 2 submitters: Uncertain significance (2). Last evaluated 2025-12-17.

Conditions:
Hereditary cancer-predisposing syndrome. Also called: Neoplastic Syndromes, Hereditary; Hereditary Cancer Syndrome; Tumor predisposition; Hereditary neoplastic syndrome. Identifiers: Orphanet 140162, MedGen C0027672, MeSH D009386, MONDO:0015356.
DICER1-related tumor predisposition. Also called: DICER1 syndrome; DICER1-related pleuropulmonary blastoma cancer predisposition syndrome. Identifiers: Orphanet 284343, MedGen C3839822, MONDO:0100216.

Submissions (2):

Labcorp Genetics (formerly Invitae), Labcorp
Classification: Uncertain significance for DICER1-related tumor predisposition. Last evaluated: 2025-12-17. Review status: criteria provided, single submitter. Criteria: Invitae Variant Classification Sherloc (09022015). Collection method: clinical testing. Allele origin: germline.
Comment: This sequence change replaces valine, which is neutral and non-polar, with methionine, which is neutral and non-polar, at codon 1773 of the DICER1 protein (p.Val1773Met). This variant is not present in population databases (gnomAD no frequency). This variant has not been reported in the literature in individuals affected with DICER1-related conditions. ClinVar contains an entry for this variant (Variation ID: 2566159). Invitae Evidence Modeling of protein sequence and biophysical properties (such as structural, functional, and spatial information, amino acid conservation, physicochemical variation, residue mobility, and thermodynamic stability) indicates that this missense variant is not expected to disrupt DICER1 protein function with a negative predictive value of 95%. In summary, the available evidence is currently insufficient to determine the role of this variant in disease. Therefore, it has been classified as a Variant of Uncertain Significance.

Ambry Genetics
Classification: Uncertain significance for Hereditary cancer-predisposing syndrome. Last evaluated: 2023-03-30. Review status: criteria provided, single submitter. Criteria: Ambry Variant Classification Scheme 2023. Collection method: clinical testing. Allele origin: germline.
Comment: The p.V1773M variant (also known as c.5317G>A), located in coding exon 23 of the DICER1 gene, results from a G to A substitution at nucleotide position 5317. The valine at codon 1773 is replaced by methionine, an amino acid with highly similar properties. This amino acid position is conserved. In addition, this alteration is predicted to be deleterious by in silico analysis. Since supporting evidence is limited at this time, the clinical significance of this alteration remains unclear.

NM_177438.3(DICER1):c.5317G>A (p.Val1773Met)

Gene: DICER1 (dicer 1, ribonuclease III; minus strand). Cytogenetic location: 14q32.13.
Variant type: single nucleotide variant.
Coding change: c.5317G>A on transcript NM_177438.3 (MANE Select); coding-DNA position 5317, G replaced by A.
Protein change: p.Val1773Met; replaces valine 1773 with methionine.
Molecular consequence: missense variant. On other transcripts: non-coding transcript variant (6).
Genome position (GRCh38, 1-based): chr14:95,093,935, C>T on the plus strand (G>A on the coding strand, the complement: DICER1 is on the minus strand). VCF-style: chr14-95093935-C-T. GRCh37 (hg19) VCF-style: chr14-95560272-C-T.
Other names: c.5317G>A, p.Val1773Met (NM_001195573.1, NM_001271282.3, NM_001291628.2 and 9 more transcripts); c.5035G>A, p.Val1679Met (NM_001395686.1); c.4912G>A, p.Val1638Met (NM_001395687.1, NM_001395688.1, NM_001395689.1 and 1 more transcripts); c.4750G>A, p.Val1584Met (NM_001395691.1); c.3634G>A, p.Val1212Met (NM_001395697.1); short protein forms V1212M, V1679M, V1773M, V1584M, V1638M.
Identifiers: ClinVar variation 2566159 (VCV002566159.5), dbSNP rs2139811466, ClinGen allele CA390864962.
Genomic context (GRCh38, chr14:95,093,935, plus strand): 5'-GAACAGCACTAACCTCAGAATCCATTCCTTGCATTTCATTCTTCTCAAGCTGAAACTGCA[C>T]AAAGTCATCAATGACATGGAAGAGCTCAGGAGAGACAGCTTTGAAGTACTTGTGGTAGTC-3'
Protein context (NP_803187.1, residues 1763-1783): PELFHVIDDF[Val1773Met]QFQLEKNEMQ